The following is an entry in ClinVar:

ClinVar aggregate classification (germline): Uncertain significance (1 of 4 stars; one submission).

Submission:

Labcorp Genetics (formerly Invitae), Labcorp
Classification: Uncertain significance. Last evaluated: 2023-09-30. Review status: criteria provided, single submitter. Criteria: Invitae Variant Classification Sherloc (09022015). Collection method: clinical testing. Allele origin: germline.
Comment: In summary, the available evidence is currently insufficient to determine the role of this variant in disease. Therefore, it has been classified as a Variant of Uncertain Significance. Variants that disrupt the consensus splice site are a relatively common cause of aberrant splicing (PMID: 17576681, 9536098). Algorithms developed to predict the effect of sequence changes on RNA splicing suggest that this variant is not likely to affect RNA splicing. This variant has not been reported in the literature in individuals affected with STAG1-related conditions. This variant is not present in population databases (gnomAD no frequency). This sequence change falls in intron 15 of the STAG1 gene. It does not directly change the encoded amino acid sequence of the STAG1 protein. It affects a nucleotide within the consensus splice site.

Literature cited by the submitters: PubMed 17576681; PubMed 9536098.

NM_005862.3(STAG1):c.1546+4T>C

Gene: STAG1 (STAG1 cohesin complex component; minus strand). Cytogenetic location: 3q22.3.
Variant type: single nucleotide variant.
Coding change: c.1546+4T>C on transcript NM_005862.3 (MANE Select); 4 bases into the intron after coding-DNA position 1546, T replaced by C.
Molecular consequence: intron variant.
Genome position (GRCh38, 1-based): chr3:136,443,283, A>G on the plus strand (T>C on the coding strand, the complement: STAG1 is on the minus strand). VCF-style: chr3-136443283-A-G. GRCh37 (hg19) VCF-style: chr3-136162125-A-G.
Identifiers: ClinVar variation 2764684 (VCV002764684.3), dbSNP rs2088685307, ClinGen allele CA1404353329.